The following is an entry in ClinVar:

ClinVar aggregate classification (germline): Likely benign (1 of 4 stars; one submission).

Submission:

Women's Health and Genetics/Laboratory Corporation of America, LabCorp
Classification: Likely benign. Last evaluated: 2026-03-09. Review status: criteria provided, single submitter. Criteria: LabCorp Variant Classification Summary - May 2015. Collection method: clinical testing. Allele origin: germline.
Comment: Variant summary: RFX7 c.1108-14C>G alters a non-conserved nucleotide located at a position not widely known to affect splicing. Consensus agreement among computation tools predict no significant impact on normal splicing. However, these predictions have yet to be confirmed by functional studies. The variant allele was found at a frequency of 6.3e-06 in 158388 control chromosomes. The available data on variant occurrences in the general population are insufficient to allow any conclusion about variant significance. To our knowledge, no occurrence of c.1108-14C>G in individuals affected with RFX7-related conditions and no experimental evidence demonstrating its impact on protein function have been reported. No submitters have cited clinical-significance assessments for this variant to ClinVar. Based on the evidence outlined above, the variant was classified as likely benign.

NM_022841.7(RFX7):c.1108-14C>G

Gene: RFX7 (regulatory factor X7; minus strand). Cytogenetic location: 15q21.3.
Variant type: single nucleotide variant.
Coding change: c.1108-14C>G on transcript NM_022841.7 (MANE Select); 14 bases into the intron before coding-DNA position 1108, C replaced by G.
Molecular consequence: intron variant.
Genome position (GRCh38, 1-based): chr15:56,096,634, G>C on the plus strand (C>G on the coding strand, the complement: RFX7 is on the minus strand). VCF-style: chr15-56096634-G-C. GRCh37 (hg19) VCF-style: chr15-56388832-G-C.
Other names: c.1108-14C>G (NM_001370561.1); c.817-14C>G (NM_001368073.2, NM_001370554.1, NM_001368074.1).
Identifiers: ClinVar variation 4847393 (VCV004847393.1).